The following is an entry in ClinVar:

ClinVar aggregate classification (germline): Uncertain significance (1 of 4 stars; one submission).

Conditions:
Ataxia-telangiectasia syndrome (AT). Also called: Ataxia-telangiectasia, complementation group D; AT, COMPLEMENTATION GROUP C; ATAXIA-TELANGIECTASIA, COMPLEMENTATION GROUP A; ATAXIA-TELANGIECTASIA, FRESNO VARIANT; Ataxia-telangiectasia; Ataxia-telangiectasia, complementation group E. Identifiers: Orphanet 100, MedGen C0004135, MONDO:0008840, OMIM 208900.

Submission:

Labcorp Genetics (formerly Invitae), Labcorp
Classification: Uncertain significance for Ataxia-telangiectasia syndrome. Last evaluated: 2024-05-18. Review status: criteria provided, single submitter. Criteria: Invitae Variant Classification Sherloc (09022015). Collection method: clinical testing. Allele origin: germline.
Comment: This sequence change replaces glutamic acid, which is acidic and polar, with glycine, which is neutral and non-polar, at codon 2183 of the ATM protein (p.Glu2183Gly). This variant is not present in population databases (gnomAD no frequency). This variant has not been reported in the literature in individuals affected with ATM-related conditions. An algorithm developed to predict the effect of missense changes on protein structure and function (PolyPhen-2) suggests that this variant is likely to be disruptive. In summary, the available evidence is currently insufficient to determine the role of this variant in disease. Therefore, it has been classified as a Variant of Uncertain Significance.

NM_000051.4(ATM):c.6548A>G (p.Glu2183Gly)

Genes: ATM (ATM serine/threonine kinase; plus strand), C11orf65 (chromosome 11 open reading frame 65; minus strand). Cytogenetic location: 11q22.3.
Variant type: single nucleotide variant.
Coding change: c.6548A>G on transcript NM_000051.4 (MANE Select); coding-DNA position 6548, A replaced by G.
Protein change: p.Glu2183Gly; replaces glutamic acid 2183 with glycine.
Molecular consequence: missense variant. On other transcripts: intron variant (2).
Genome position (GRCh38, 1-based): chr11:108,321,396, A>G. VCF-style: chr11-108321396-A-G. GRCh37 (hg19) VCF-style: chr11-108192123-A-G.
Other names: c.6548A>G, p.Glu2183Gly (NM_001351834.2); c.641-12325T>C (NM_001330368.2); c.*39-12325T>C (NM_001351110.2); short protein forms E2183G.
Identifiers: ClinVar variation 3653748 (VCV003653748.2).